The following is an entry in ClinVar:

NM_152383.5(DIS3L2):c.1057G>A (p.Glu353Lys)

Gene: DIS3L2 (DIS3 like 3'-5' exoribonuclease 2; plus strand). Cytogenetic location: 2q37.1.
Variant type: single nucleotide variant.
Coding change: c.1057G>A on transcript NM_152383.5 (MANE Select); coding-DNA position 1057, G replaced by A.
Protein change: p.Glu353Lys; replaces glutamic acid 353 with lysine.
Molecular consequence: missense variant. On other transcripts: non-coding transcript variant (2).
Genome position (GRCh38, 1-based): chr2:232,163,565, G>A. VCF-style: chr2-232163565-G-A. GRCh37 (hg19) VCF-style: chr2-233028275-G-A.
Other names: c.1057G>A, p.Glu353Lys (NM_001257281.2); short protein forms E353K.
Identifiers: ClinVar variation 938635 (VCV000938635.9), dbSNP rs1690718543, ClinGen allele CA351154384.
Genomic context (GRCh38, chr2:232,163,565, plus strand): 5'-ACAGAAGGAATACTAACAGAGTATGGCGTGGATTTCTCTGATTTCTCTTCAGAAGTTCTA[G>A]AATGTCTTCCTCAAGGCCTGCCATGGACAATTCCACCAGAGGAGTTCAGCAAGAGAAGGG-3'
Protein context (NP_689596.4, residues 343-363): DFSDFSSEVL[Glu353Lys]CLPQGLPWTI

ClinVar aggregate classification (germline): Uncertain significance (1 of 4 stars; one submission).

Conditions:
Perlman syndrome (PRLMNS). Identifiers: Orphanet 2849, MedGen C0796113, MONDO:0009965, OMIM 267000.

Submission:

Labcorp Genetics (formerly Invitae), Labcorp
Classification: Uncertain significance for Perlman syndrome. Last evaluated: 2019-09-23. Review status: criteria provided, single submitter. Criteria: Invitae Variant Classification Sherloc (09022015). Collection method: clinical testing. Allele origin: germline.
Comment: In summary, the available evidence is currently insufficient to determine the role of this variant in disease. Therefore, it has been classified as a Variant of Uncertain Significance. Algorithms developed to predict the effect of missense changes on protein structure and function output the following: SIFT: "Tolerated"; PolyPhen-2: "Benign"; Align-GVGD: "Class C0". The lysine amino acid residue is found in multiple mammalian species, suggesting that this missense change does not adversely affect protein function. These predictions have not been confirmed by published functional studies and their clinical significance is uncertain. This variant has not been reported in the literature in individuals with DIS3L2-related conditions. This variant is not present in population databases (ExAC no frequency). This sequence change replaces glutamic acid with lysine at codon 353 of the DIS3L2 protein (p.Glu353Lys). The glutamic acid residue is moderately conserved and there is a small physicochemical difference between glutamic acid and lysine.